The following is an entry in ClinVar:

NM_001148.6(ANK2):c.8911G>A (p.Val2971Ile)

Gene: ANK2 (ankyrin 2; plus strand). Cytogenetic location: 4q26.
Variant type: single nucleotide variant.
Coding change: c.8911G>A on transcript NM_001148.6 (MANE Select); coding-DNA position 8911, G replaced by A.
Protein change: p.Val2971Ile; replaces valine 2971 with isoleucine.
Molecular consequence: missense variant. On other transcripts: intron variant (68).
Genome position (GRCh38, 1-based): chr4:113,357,529, G>A. VCF-style: chr4-113357529-G-A. GRCh37 (hg19) VCF-style: chr4-114278685-G-A.
Other names: c.8677G>A, p.Val2893Ile (NM_001386142.1); c.5311G>A, p.Val1771Ile (NM_001386166.1); c.9052G>A, p.Val3018Ile (NM_001386174.1); c.9028G>A, p.Val3010Ile (NM_001386175.1); c.4412-3294G>A (NM_001386186.2, NM_001386148.2); c.4214-3294G>A (NM_001354269.3); c.4292-3294G>A (NM_001386187.2); c.4253-3294G>A (NM_001386147.1); and 35 more; short protein forms V2971I, V1771I, V2893I, V3010I, V3018I.
Identifiers: ClinVar variation 863768 (VCV000863768.10), dbSNP rs752493662, ClinGen allele CA3051847.

ClinVar aggregate classification (germline): Benign/Likely benign. Review status: criteria provided, multiple submitters, no conflicts (2 of 4 stars). 4 submissions from 4 submitters: Benign (1); Likely benign (3). Last evaluated 2026-09-01.

Conditions:
Cardiovascular phenotype. Identifiers: MedGen CN230736.
Long QT syndrome (LQTS). Identifiers: MedGen C0023976, MeSH D008133, MONDO:0002442. Disease mechanism: loss of function. Inheritance: Various modes of inheritance.

Allele frequency attached by ClinVar (database versions not stated): gnomAD 0.00002 and 0.00003; TOPMed 0.00002; gnomAD exomes 0.00005 and 0.00009; ExAC 0.00007.

Submissions (4):

CeGaT Center for Human Genetics Tuebingen
Classification: Likely benign. Last evaluated: 2026-09-01. Review status: criteria provided, single submitter. Criteria: CeGaT Center For Human Genetics Tuebingen Variant Classification Criteria Version 2. Collection method: clinical testing. Allele origin: germline. Affected: yes. Observed: 1 variant allele.
Comment: ANK2: BP4, BS2

Labcorp Genetics (formerly Invitae), Labcorp
Classification: Benign for Long QT syndrome. Last evaluated: 2024-09-23. Review status: criteria provided, single submitter. Criteria: Invitae Variant Classification Sherloc (09022015). Collection method: clinical testing. Allele origin: germline.

Women's Health and Genetics/Laboratory Corporation of America, LabCorp
Classification: Likely benign. Last evaluated: 2024-09-09. Review status: criteria provided, single submitter. Criteria: LabCorp Variant Classification Summary - May 2015. Collection method: clinical testing. Allele origin: germline.

Ambry Genetics
Classification: Likely benign for Cardiovascular phenotype. Last evaluated: 2019-02-12. Review status: criteria provided, single submitter. Criteria: Ambry Variant Classification Scheme 2023. Collection method: clinical testing. Allele origin: germline.